The following is an entry in ClinVar:

ClinVar aggregate classification (germline): Uncertain significance (1 of 4 stars; one submission).

Allele frequency attached by ClinVar (database versions not stated): gnomAD 0.00001; gnomAD exomes 0.00001; TOPMed 0.00001.
gnomAD v4.1: 11 of 1,539,068 alleles (0.00071%); highest among the groups gnomAD compares: Non-Finnish European, 0.00096%; no homozygotes.

Submission:

Labcorp Genetics (formerly Invitae), Labcorp
Classification: Uncertain significance. Last evaluated: 2022-10-13. Review status: criteria provided, single submitter. Criteria: Invitae Variant Classification Sherloc (09022015). Collection method: clinical testing. Allele origin: germline.
Comment: This sequence change replaces alanine, which is neutral and non-polar, with valine, which is neutral and non-polar, at codon 356 of the ERCC2 protein (p.Ala356Val). This variant is not present in population databases (gnomAD no frequency). This variant has not been reported in the literature in individuals affected with ERCC2-related conditions. ClinVar contains an entry for this variant (Variation ID: 1417677). Advanced modeling of protein sequence and biophysical properties (such as structural, functional, and spatial information, amino acid conservation, physicochemical variation, residue mobility, and thermodynamic stability) performed at Invitae indicates that this missense variant is not expected to disrupt ERCC2 protein function. In summary, the available evidence is currently insufficient to determine the role of this variant in disease. Therefore, it has been classified as a Variant of Uncertain Significance.

NM_000400.4(ERCC2):c.1067C>T (p.Ala356Val)

Gene: ERCC2 (ERCC excision repair 2, TFIIH core complex helicase subunit; minus strand). Cytogenetic location: 19q13.32.
Variant type: single nucleotide variant.
Coding change: c.1067C>T on transcript NM_000400.4 (MANE Select); coding-DNA position 1067, C replaced by T.
Protein change: p.Ala356Val; replaces alanine 356 with valine.
Molecular consequence: missense variant.
Genome position (GRCh38, 1-based): chr19:45,363,794, G>A on the plus strand (C>T on the coding strand, the complement: ERCC2 is on the minus strand). VCF-style: chr19-45363794-G-A. GRCh37 (hg19) VCF-style: chr19-45867052-G-A.
Other names: c.995C>T, p.Ala332Val (NM_001130867.2); short protein forms A356V, A332V.
Identifiers: ClinVar variation 1417677 (VCV001417677.6), dbSNP rs910326340, ClinGen allele CA308966297.